The following is an entry in ClinVar:

ClinVar aggregate classification (germline): Uncertain significance (1 of 4 stars; one submission).

Conditions:
Atrioventricular septal defect 5 (AVSD5). Identifiers: MedGen C3280939, MONDO:0013769, OMIM 614474.

Submission:

Labcorp Genetics (formerly Invitae), Labcorp
Classification: Uncertain significance for Atrioventricular septal defect 5. Last evaluated: 2025-07-02. Review status: criteria provided, single submitter. Criteria: Invitae Variant Classification Sherloc (09022015). Collection method: clinical testing. Allele origin: germline.
Comment: This sequence change replaces aspartic acid, which is acidic and polar, with phenylalanine, which is neutral and non-polar, at codon 23 of the GATA6 protein (p.Asp23Phe). Information on the frequency of this variant in the gnomAD database is not available, as this variant may be reported differently in the database. This variant has not been reported in the literature in individuals affected with GATA6-related conditions. ClinVar contains an entry for this variant (Variation ID: 2152861). An algorithm developed to predict the effect of missense changes on protein structure and function (PolyPhen-2) suggests that this variant is likely to be disruptive. In summary, the available evidence is currently insufficient to determine the role of this variant in disease. Therefore, it has been classified as a Variant of Uncertain Significance.

NM_005257.6(GATA6):c.67_68delinsTT (p.Asp23Phe)

Gene: GATA6 (GATA binding protein 6; plus strand). Cytogenetic location: 18q11.2.
Variant type: Indel.
Coding change: c.67_68delinsTT on transcript NM_005257.6 (MANE Select); coding-DNA positions 67 to 68, GA replaced by TT.
Protein change: p.Asp23Phe; replaces aspartic acid 23 with phenylalanine.
Molecular consequence: missense variant.
Genome position (GRCh38, 1-based): chr18:22,171,211-22,171,212, GA replaced by TT. VCF-style: chr18-22171211-GA-TT. GRCh37 (hg19) VCF-style: chr18-19751172-GA-TT.
Other names: short protein forms D23F.
Identifiers: ClinVar variation 2152861 (VCV002152861.4), dbSNP rs2510625048, ClinGen allele CA2580095468.